The following is an entry in ClinVar:

ClinVar aggregate classification (germline): Uncertain significance (1 of 4 stars; one submission).

gnomAD v4.1: 1 of 1,613,870 alleles (0.000062%); highest among the groups gnomAD compares: Non-Finnish European, 0.000085%; no homozygotes.

Submission:

Labcorp Genetics (formerly Invitae), Labcorp
Classification: Uncertain significance. Last evaluated: 2022-03-02. Review status: criteria provided, single submitter. Criteria: Invitae Variant Classification Sherloc (09022015). Collection method: clinical testing. Allele origin: germline.
Comment: This variant is not present in population databases (gnomAD no frequency). In summary, the available evidence is currently insufficient to determine the role of this variant in disease. Therefore, it has been classified as a Variant of Uncertain Significance. Algorithms developed to predict the effect of missense changes on protein structure and function are either unavailable or do not agree on the potential impact of this missense change (SIFT: "Tolerated"; PolyPhen-2: "Not Available"; Align-GVGD: "Class C0"). This variant has not been reported in the literature in individuals affected with PCLO-related conditions. This sequence change replaces methionine, which is neutral and non-polar, with valine, which is neutral and non-polar, at codon 3280 of the PCLO protein (p.Met3280Val).

NM_033026.6(PCLO):c.9838A>G (p.Met3280Val)

Gene: PCLO (piccolo presynaptic cytomatrix protein; minus strand). Cytogenetic location: 7q21.11.
Variant type: single nucleotide variant.
Coding change: c.9838A>G on transcript NM_033026.6 (MANE Select); coding-DNA position 9838, A replaced by G.
Protein change: p.Met3280Val; replaces methionine 3280 with valine.
Molecular consequence: missense variant.
Genome position (GRCh38, 1-based): chr7:82,950,750, T>C on the plus strand (A>G on the coding strand, the complement: PCLO is on the minus strand). VCF-style: chr7-82950750-T-C. GRCh37 (hg19) VCF-style: chr7-82580066-T-C.
Other names: c.9838A>G, p.Met3280Val (NM_014510.3); short protein forms M3280V.
Identifiers: ClinVar variation 1521986 (VCV001521986.6), dbSNP rs771533306, ClinGen allele CA367906359.
Genomic context (GRCh38, chr7:82,950,750, plus strand): 5'-GCAGCTGTTGGATCTGCTCAAGCTGTAACTGTTGCTGAGCTAACGTCTCCTGCCTCATCA[T>C]GAACTGGGCTTGCCGCTCTTCTTCTTGCTGAAAGAGAAGGTGTTGCTTCATAGACTGCAG-3'
Protein context (NP_149015.2, residues 3270-3290): QQEEERQAQF[Met3280Val]MRQETLAQQQ